The following is an entry in ClinVar:

NM_004357.5(CD151):c.386C>T (p.Thr129Ile)

Gene: CD151 (CD151 molecule (Raph blood group); plus strand). Cytogenetic location: 11p15.5.
Variant type: single nucleotide variant.
Coding change: c.386C>T on transcript NM_004357.5 (MANE Select); coding-DNA position 386, C replaced by T.
Protein change: p.Thr129Ile; replaces threonine 129 with isoleucine.
Molecular consequence: missense variant.
Genome position (GRCh38, 1-based): chr11:837,284, C>T. VCF-style: chr11-837284-C-T. GRCh37 (hg19) VCF-style: chr11-837284-C-T.
Other names: c.386C>T, p.Thr129Ile (NM_001039490.2, NM_139029.2, NM_139030.4); short protein forms T129I.
Identifiers: ClinVar variation 3727432 (VCV003727432.2).
Genomic context (GRCh38, chr11:837,284, plus strand): 5'-TGAAGTTTCCTGCACCCCAACCCCAGCTGAACACGGAGCTCAAGGAGAACCTGAAGGACA[C>T]CATGACCAAGCGCTACCACCAGCCGGGCCATGAGGCTGTGACCAGCGCTGTGGACCAGCT-3'
Protein context (NP_004348.2, residues 119-139): NTELKENLKD[Thr129Ile]MTKRYHQPGH

ClinVar aggregate classification (germline): Uncertain significance (1 of 4 stars; one submission).

Submission:

Labcorp Genetics (formerly Invitae), Labcorp
Classification: Uncertain significance. Last evaluated: 2024-12-23. Review status: criteria provided, single submitter. Criteria: Invitae Variant Classification Sherloc (09022015). Collection method: clinical testing. Allele origin: germline.
Comment: This sequence change replaces threonine, which is neutral and polar, with isoleucine, which is neutral and non-polar, at codon 129 of the CD151 protein (p.Thr129Ile). This variant is not present in population databases (gnomAD no frequency). This variant has not been reported in the literature in individuals affected with CD151-related conditions. An algorithm developed to predict the effect of missense changes on protein structure and function (PolyPhen-2) suggests that this variant is likely to be disruptive. In summary, the available evidence is currently insufficient to determine the role of this variant in disease. Therefore, it has been classified as a Variant of Uncertain Significance.